The following is an entry in ClinVar:

NM_005592.4(MUSK):c.617T>A (p.Leu206Gln)

Gene: MUSK (muscle associated receptor tyrosine kinase; plus strand). Cytogenetic location: 9q31.3.
Variant type: single nucleotide variant.
Coding change: c.617T>A on transcript NM_005592.4 (MANE Select); coding-DNA position 617, T replaced by A.
Protein change: p.Leu206Gln; replaces leucine 206 with glutamine.
Molecular consequence: missense variant.
Genome position (GRCh38, 1-based): chr9:110,697,455, T>A. VCF-style: chr9-110697455-T-A. GRCh37 (hg19) VCF-style: chr9-113459735-T-A.
Other names: c.617T>A, p.Leu206Gln (NM_001166280.2, NM_001166281.2); short protein forms L206Q.
Identifiers: ClinVar variation 2037756 (VCV002037756.4), dbSNP rs756442664, ClinGen allele CA374666866.

ClinVar aggregate classification (germline): Uncertain significance (1 of 4 stars; one submission).

Conditions:
Fetal akinesia deformation sequence 1 (FADS1). Also called: Fetal akinesia sequence; Pena-Shokeir syndrome type I. Identifiers: Orphanet 994, MedGen C1276035, MONDO:0100101, OMIM 208150, HP:0001989.
Congenital myasthenic syndrome 9. Also called: Myasthenic syndrome, congenital, 9, associated with acetylcholine receptor deficiency. Identifiers: Orphanet 590, MedGen C4225368, MONDO:0014587, OMIM 616325.

Submission:

Labcorp Genetics (formerly Invitae), Labcorp
Classification: Uncertain significance for Congenital myasthenic syndrome 9; Fetal akinesia deformation sequence 1. Last evaluated: 2021-12-08. Review status: criteria provided, single submitter. Criteria: Invitae Variant Classification Sherloc (09022015). Collection method: clinical testing. Allele origin: germline.
Comment: In summary, the available evidence is currently insufficient to determine the role of this variant in disease. Therefore, it has been classified as a Variant of Uncertain Significance. Advanced modeling of protein sequence and biophysical properties (such as structural, functional, and spatial information, amino acid conservation, physicochemical variation, residue mobility, and thermodynamic stability) performed at Invitae indicates that this missense variant is expected to disrupt MUSK protein function. This sequence change replaces leucine, which is neutral and non-polar, with glutamine, which is neutral and polar, at codon 206 of the MUSK protein (p.Leu206Gln). This variant is not present in population databases (gnomAD no frequency). This variant has not been reported in the literature in individuals affected with MUSK-related conditions.